The following is an entry in ClinVar:

ClinVar aggregate classification (germline): Likely benign. Review status: criteria provided, multiple submitters, no conflicts (2 of 4 stars). 2 submissions from 2 submitters: Likely benign (2). Last evaluated 2025-08-18.

Conditions:
TFG-related disorder. Also called: TFG-related disorders; TFG-related condition.
Hereditary spastic paraplegia 57. Also called: Spastic paraplegia 57, autosomal recessive. Identifiers: Orphanet 431329, MedGen C3714897, MONDO:0014295, OMIM 615658.
Hereditary motor and sensory neuropathy, Okinawa type (HMSNO). Also called: HEREDITARY MOTOR AND SENSORY NEUROPATHY, PROXIMAL TYPE. Identifiers: Orphanet 90117, MedGen C1858338, MONDO:0011468, OMIM 604484.

Allele frequency attached by ClinVar (database versions not stated): TOPMed below 0.00001.
gnomAD v4.1: 19 of 1,611,680 alleles (0.0012%); highest among the groups gnomAD compares: Non-Finnish European, 0.0016%; no homozygotes.

Submissions (2):

PreventionGenetics, part of Exact Sciences
Classification: Likely benign for TFG-related condition. Last evaluated: 2025-08-18. Review status: criteria provided, single submitter. Criteria: ACMG Guidelines, 2015. Collection method: clinical testing. Allele origin: germline.
Comment: This variant is classified as likely benign based on ACMG/AMP sequence variant interpretation guidelines (Richards et al. 2015 PMID: 25741868, with internal and published modifications).

Labcorp Genetics (formerly Invitae), Labcorp
Classification: Likely benign for Hereditary motor and sensory neuropathy, Okinawa type; Hereditary spastic paraplegia 57. Last evaluated: 2020-03-22. Review status: criteria provided, single submitter. Criteria: Invitae Variant Classification Sherloc (09022015). Collection method: clinical testing. Allele origin: germline.

NM_006070.6(TFG):c.1185T>C (p.Pro395=)

Gene: TFG (trafficking from ER to golgi regulator; plus strand). Cytogenetic location: 3q12.2.
Variant type: single nucleotide variant.
Coding change: c.1185T>C on transcript NM_006070.6 (MANE Select); coding-DNA position 1185, T replaced by C.
Protein change: p.Pro395=; no amino-acid change (proline 395 retained).
Molecular consequence: synonymous variant.
Genome position (GRCh38, 1-based): chr3:100,748,513, T>C. VCF-style: chr3-100748513-T-C. GRCh37 (hg19) VCF-style: chr3-100467357-T-C.
Other names: c.1185T>C (NM_006070.5); c.1185T>C, p.Pro395= (NM_001007565.2, NM_001195478.2); c.1173T>C, p.Pro391= (NM_001195479.2).
Identifiers: ClinVar variation 1089775 (VCV001089775.5), dbSNP rs1185375387, ClinGen allele CA434869545.
Genomic context (GRCh38, chr3:100,748,513, plus strand): 5'-AAGTGGGCCTAATCCTTATGCGCGTAACCGTCCTCCCTTTGGTCAGGGCTATACCCAACC[T>C]GGACCTGGTTATCGATAAGGAGGCTCCTCTACACCAATTAATGTAGCTGCTAGCTATTGG-3'
Protein context (NP_006061.2, residues 385-400): RPPFGQGYTQ[Pro395=]GPGYR